The following is an entry in ClinVar:

NM_006185.4(NUMA1):c.6336+3AG[3]

Genes: IL18BP (interleukin 18 binding protein; plus strand), NUMA1 (nuclear mitotic apparatus protein 1; minus strand). Cytogenetic location: 11q13.4.
Variant type: Microsatellite.
Coding change: c.6336+3AG[3] on transcript NM_006185.4 (MANE Select); three copies in a row of the 2-base unit AG starting at c.6336+3; the reference has two copies in a row; one copy, 2 bases duplicated.
Molecular consequence: intron variant.
Genome position (GRCh38, 1-based): chr11:72,003,881-72,003,882, CT duplicated on the plus strand (AG on the coding strand, the reverse complement: NUMA1 is on the minus strand); duplicating any 2 consecutive bases within chr11:72,003,881-72,003,884 gives the same sequence; the position shown is the placement nearest the transcript's 3' end. VCF-style (leftmost placement, unchanged base first): chr11-72003880-C-CCT. GRCh37 (hg19) VCF-style: chr11-71714926-C-CCT.
Other names: c.6294+3AG[3] (NM_001286561.2).
Identifiers: ClinVar variation 3352963 (VCV003352963.1).

ClinVar aggregate classification (germline): Likely benign (0 of 4 stars; one submission).

Conditions:
NUMA1-related disorder. Also called: NUMA1-related condition.

Submission:

PreventionGenetics, part of Exact Sciences
Classification: Likely benign for NUMA1-related condition. Last evaluated: 2019-03-12. Review status: no assertion criteria provided. Collection method: clinical testing. Allele origin: germline.
Comment: This variant is classified as likely benign based on ACMG/AMP sequence variant interpretation guidelines (Richards et al. 2015 PMID: 25741868, with internal and published modifications).